The following is an entry in ClinVar:

NM_021098.3(CACNA1H):c.4370ACT[1] (p.Tyr1458del)

Gene: CACNA1H (calcium voltage-gated channel subunit alpha1 H; plus strand). Cytogenetic location: 16p13.3.
Variant type: Microsatellite.
Coding change: c.4370ACT[1] on transcript NM_021098.3 (MANE Select); one copy of the 3-base unit ACT starting at c.4370; the reference has two copies in a row; one copy, 3 bases deleted.
Protein change: p.Tyr1458del; deletes tyrosine 1458.
Molecular consequence: inframe deletion.
Genome position (GRCh38, 1-based): chr16:1,211,503-1,211,505, ACT deleted; deleting any 3 consecutive bases within chr16:1,211,498-1,211,505 gives the same sequence; the position shown is the placement nearest the transcript's 3' end. VCF-style (leftmost placement, unchanged base first): chr16-1211497-TCTA-T. GRCh37 (hg19) VCF-style: chr16-1261497-TCTA-T.
Other names: c.4370ACT[1], p.Tyr1458del (NM_001005407.2); short protein forms Y1458del.
Identifiers: ClinVar variation 3754478 (VCV003754478.2).

ClinVar aggregate classification (germline): Uncertain significance (1 of 4 stars; one submission).

Conditions:
Hyperaldosteronism, familial, type IV (HALD4). Also called: FH IV; ALDOSTERONISM, PRIMARY, AND HYPERTENSION. Identifiers: Orphanet 642671, MedGen C4310756, MONDO:0014875, OMIM 617027.
Idiopathic generalized epilepsy. Also called: EIG; Generalised epilepsy. Identifiers: MedGen C0270850, MONDO:0005579, OMIM 600669.

Submission:

Labcorp Genetics (formerly Invitae), Labcorp
Classification: Uncertain significance for Idiopathic generalized epilepsy; Hyperaldosteronism, familial, type IV. Last evaluated: 2024-04-08. Review status: criteria provided, single submitter. Criteria: Invitae Variant Classification Sherloc (09022015). Collection method: clinical testing. Allele origin: germline.
Comment: This variant, c.4373_4375del, results in the deletion of 1 amino acid(s) of the CACNA1H protein (p.Tyr1458del), but otherwise preserves the integrity of the reading frame. This variant is present in population databases (no rsID available, gnomAD 0.01%). This variant has not been reported in the literature in individuals affected with CACNA1H-related conditions. Experimental studies and prediction algorithms are not available or were not evaluated, and the functional significance of this variant is currently unknown. In summary, the available evidence is currently insufficient to determine the role of this variant in disease. Therefore, it has been classified as a Variant of Uncertain Significance.